The following is an entry in ClinVar:

NM_001145860.2(POP1):c.556A>G (p.Met186Val)

Gene: POP1 (POP1 homolog, ribonuclease P/MRP subunit; plus strand). Cytogenetic location: 8q22.2.
Variant type: single nucleotide variant.
Coding change: c.556A>G on transcript NM_001145860.2 (MANE Select); coding-DNA position 556, A replaced by G.
Protein change: p.Met186Val; replaces methionine 186 with valine.
Molecular consequence: missense variant.
Genome position (GRCh38, 1-based): chr8:98,130,047, A>G. VCF-style: chr8-98130047-A-G. GRCh37 (hg19) VCF-style: chr8-99142275-A-G.
Other names: c.556A>G, p.Met186Val (NM_001145861.2, NM_015029.3); c.556A>G (NM_015029.2); short protein forms M186V.
Identifiers: ClinVar variation 1504923 (VCV001504923.4), dbSNP rs146540699, ClinGen allele CA4820353.

ClinVar aggregate classification (germline): Uncertain significance. Review status: criteria provided, multiple submitters, no conflicts (2 of 4 stars). 2 submissions from 2 submitters: Uncertain significance (2). Last evaluated 2022-06-13.

Conditions:
Inborn genetic diseases. Identifiers: MedGen C0950123, MeSH D030342.

Allele frequency attached by ClinVar (database versions not stated): ExAC 0.00002; gnomAD exomes 0.00002; gnomAD 0.00003 and 0.00004; TOPMed 0.00003; ESP Exome Variant Server 0.00008.

Submissions (2):

Labcorp Genetics (formerly Invitae), Labcorp
Classification: Uncertain significance. Last evaluated: 2022-06-13. Review status: criteria provided, single submitter. Criteria: Invitae Variant Classification Sherloc (09022015). Collection method: clinical testing. Allele origin: germline.
Comment: This sequence change replaces methionine, which is neutral and non-polar, with valine, which is neutral and non-polar, at codon 186 of the POP1 protein (p.Met186Val). This variant is present in population databases (rs146540699, gnomAD 0.005%). This variant has not been reported in the literature in individuals affected with POP1-related conditions. Algorithms developed to predict the effect of missense changes on protein structure and function output the following: SIFT: "Tolerated"; PolyPhen-2: "Benign"; Align-GVGD: "Class C0". The valine amino acid residue is found in multiple mammalian species, which suggests that this missense change does not adversely affect protein function. In summary, the available evidence is currently insufficient to determine the role of this variant in disease. Therefore, it has been classified as a Variant of Uncertain Significance.

Ambry Genetics
Classification: Uncertain significance for Inborn genetic diseases. Last evaluated: 2022-01-19. Review status: criteria provided, single submitter. Criteria: Ambry Variant Classification Scheme 2023. Collection method: clinical testing. Allele origin: germline.